The following is an entry in ClinVar:

ClinVar aggregate classification (germline): Pathogenic (1 of 4 stars; one submission).

Submission:

Labcorp Genetics (formerly Invitae), Labcorp
Classification: Pathogenic. Last evaluated: 2025-10-29. Review status: criteria provided, single submitter. Criteria: Invitae Variant Classification Sherloc (09022015). Collection method: clinical testing. Allele origin: germline.
Comment: This sequence change creates a premature translational stop signal (p.Ser65Argfs*14) in the CFAP410 gene. It is expected to result in an absent or disrupted protein product. Loss-of-function variants in CFAP410 are known to be pathogenic (PMID: 23105016, 26167768). This variant is not present in population databases (gnomAD no frequency). This variant has not been reported in the literature in individuals affected with CFAP410-related conditions. ClinVar contains an entry for this variant (Variation ID: 1360417). For these reasons, this variant has been classified as Pathogenic.

Literature cited by the submitters: PubMed 23105016; PubMed 26167768.

NM_004928.3(CFAP410):c.195_196del (p.Ser65fs)

Gene: CFAP410 (cilia and flagella associated protein 410; minus strand). Cytogenetic location: 21q22.3.
Variant type: Deletion.
Coding change: c.195_196del on transcript NM_004928.3 (MANE Select); coding-DNA positions 195 to 196, 2 bases deleted (TG; older notation c.195_196delTG).
Protein change: p.Ser65fs; shifts the reading frame from serine 65.
Molecular consequence: frameshift variant.
Genome position (GRCh38, 1-based): chr21:44,333,210-44,333,211, CA deleted on the plus strand (TG on the coding strand, the reverse complement: CFAP410 is on the minus strand); deleting any 2 consecutive bases within chr21:44,333,210-44,333,212 gives the same sequence; the c. name uses the placement nearest the transcript's 3' end. VCF-style (leftmost placement, unchanged base first): chr21-44333209-TCA-T. GRCh37 (hg19) VCF-style: chr21-45753092-TCA-T.
Other names: c.195_196del, p.Ser65fs (NM_001271440.2, NM_001271441.2); c.72_73del, p.Ser24fs (NM_001271442.1); short protein forms S65fs, S24fs.
Identifiers: ClinVar variation 1360417 (VCV001360417.6), dbSNP rs1602080173, ClinGen allele CA920316202.